The following is an entry in ClinVar:

ClinVar aggregate classification (germline): Pathogenic. Review status: criteria provided, multiple submitters, no conflicts (2 of 4 stars). 3 submissions from 3 submitters: Pathogenic (2). 1 of the submissions does not count toward it. Last evaluated 2026-09-08.

Conditions:
Fabry disease. Also called: Ceramide trihexosidosis; Fabry's disease; CERAMIDE TRIHEXOSIDASE DEFICIENCY; GLA DEFICIENCY; HEREDITARY DYSTOPIC LIPIDOSIS; ALPHA-GALACTOSIDASE A DEFICIENCY. Identifiers: Orphanet 324, MedGen C0002986, MONDO:0010526, OMIM 301500, HP:0001071. Disease mechanism: Fabry disease is due to inactivating mutations in the X-linked GLA gene resulting in deficiency of the enzyme Alpha Galactosidase-A., loss of function.

Submissions (3):

Genomenon, Inc
Classification: Pathogenic for Fabry disease. Last evaluated: 2026-09-08. Review status: criteria provided, single submitter. Criteria: Genomenon Sequence Variant Interpretation Standards - Updated. Collection method: curation. Allele origin: germline. Affected: yes.
Comment: GLA p.Glu398Ter (c.1192G>T) is a nonsense variant that introduces a premature stop codon at amino acid position 398 and is predicted to result in a truncated or absent protein product. This variant has been observed in at least one proband with clinical features consistent with Fabry disease (PMID:29950951;28507907;7504405;33022387). Functional or patient cell studies have been reported (PMID:33022387). It is absent or not present at a significant frequency in gnomAD. In conclusion, we classify GLA p.Glu398Ter (c.1192G>T) as a pathogenic variant.

Women's Health and Genetics/Laboratory Corporation of America, LabCorp
Classification: Pathogenic for Fabry disease. Last evaluated: 2016-05-23. Review status: criteria provided, single submitter. Criteria: LabCorp Variant Classification Summary - May 2015. Collection method: clinical testing. Allele origin: germline.
Comment: Variant summary: The GLA c.1192G>T (p.Glu398X) variant results in a premature termination codon, predicted to cause a truncated (lacking 32 AA residues of the C terminus) or absent GLA protein due to nonsense mediated decay. One in silico tool predicts a damaging outcome for this variant. This variant is absent in 87740 control chromosomes. This variant has been reported to manifest a classical phenotype (Eng_AJHM_1993). Miyamura_JCI_1996 showed that deletions of 12 or more AA residues in the C-terminal region resulted in a complete loss of enzyme activity, indicating the functional importance of the C-terminal region. In addition, OMIM and HGMD classified this variant as pathogenic/DM (disease mutation). Taken together, this variant is classified as pathogenic.

OMIM
Classification: Pathogenic for FABRY DISEASE. Last evaluated: 1993-12-01. Review status: no assertion criteria provided. Collection method: literature only. Allele origin: germline. Not counted in ClinVar's aggregate classification.

Literature cited by the submitters: PubMed 29950951 (cited by Genomenon, Inc); PubMed 28507907 (cited by Genomenon, Inc); PubMed 7504405 (cited by 3 submitters); PubMed 33022387 (cited by Genomenon, Inc); PubMed 8878432 (cited by Women's Health and Genetics/Laboratory Corporation of America, LabCorp); PubMed 7911050 (cited by Women's Health and Genetics/Laboratory Corporation of America, LabCorp).

NM_000169.3(GLA):c.1192G>T (p.Glu398Ter)

Genes: GLA (galactosidase alpha; minus strand), RPL36A-HNRNPH2 (RPL36A-HNRNPH2 readthrough; plus strand). Cytogenetic location: Xq22.1.
Variant type: single nucleotide variant.
Coding change: c.1192G>T on transcript NM_000169.3 (MANE Select); coding-DNA position 1192, G replaced by T.
Protein change: p.Glu398Ter; replaces glutamic acid 398 with a stop codon.
Molecular consequence: nonsense. On other transcripts: non-coding transcript variant (3), intron variant (2).
Genome position (GRCh38, 1-based): chrX:101,397,907, C>A on the plus strand (G>T on the coding strand, the complement: GLA is on the minus strand). VCF-style: chrX-101397907-C-A. GRCh37 (hg19) VCF-style: chrX-100652895-C-A.
Other names: c.1315G>T, p.Glu439Ter (NM_001406747.1); c.300+2450C>A (NM_001199973.2); c.177+6085C>A (NM_001199974.2); short protein forms E398*, E439*.
Identifiers: ClinVar variation 10745 (VCV000010745.3), dbSNP rs104894844, ClinGen allele CA021448.
Genomic context (GRCh38, chrX:101,397,907, plus strand): 5'-CTAGCTGAAGCAAAACAGTGCCTGTGGGATTTATGTGACTTCTTAACCTTGAAGTCCATT[C>A]ATAGAACCCTAGCTTCCTTTTCACAGGGAGGAGCTGTGTGATGAAGCAGGCAGGATTACA-3'